The following is an entry in ClinVar:

ClinVar aggregate classification (germline): Uncertain significance. Review status: criteria provided, multiple submitters, no conflicts (2 of 4 stars). 2 submissions from 2 submitters: Uncertain significance (2). Last evaluated 2024-10-01.

Submissions (2):

GeneDx
Classification: Uncertain significance. Last evaluated: 2024-10-01. Review status: criteria provided, single submitter. Criteria: GeneDx Variant Classification Process June 2021. Collection method: clinical testing. Allele origin: germline. Affected: yes.
Comment: Not observed at significant frequency in large population cohorts (gnomAD); In silico analysis supports that this missense variant has a deleterious effect on protein structure/function; Has not been previously published as pathogenic or benign to our knowledge

Mendelics
Classification: Uncertain significance. Last evaluated: 2022-05-04. Review status: criteria provided, single submitter. Criteria: Mendelics Assertion Criteria 2019. Collection method: clinical testing. Allele origin: germline.

NM_006260.5(DNAJC3):c.1349C>G (p.Ser450Cys)

Gene: DNAJC3 (DnaJ heat shock protein family (Hsp40) member C3; plus strand). Cytogenetic location: 13q32.1.
Variant type: single nucleotide variant.
Coding change: c.1349C>G on transcript NM_006260.5 (MANE Select); coding-DNA position 1349, C replaced by G.
Protein change: p.Ser450Cys; replaces serine 450 with cysteine.
Molecular consequence: missense variant.
Genome position (GRCh38, 1-based): chr13:95,787,147, C>G. VCF-style: chr13-95787147-C-G. GRCh37 (hg19) VCF-style: chr13-96439401-C-G.
Other names: c.1349C>G (NM_006260.4); short protein forms S450C.
Identifiers: ClinVar variation 1684694 (VCV001684694.2), dbSNP rs910275280, ClinGen allele CA255148289.
Genomic context (GRCh38, chr13:95,787,147, plus strand): 5'-AAGAAAAGAAAAAAGCTGAGAAAAAGTTCATTGATATAGCAGCTGCTAAAGAAGTCCTCT[C>G]TGATCCAGGTATTATTAGCTTTTATTCCTTTGACTCATCCTAGAGGTGGTGTTAGAAGCG-3'
Protein context (NP_006251.1, residues 440-460): IDIAAAKEVL[Ser450Cys]DPEMRKKFDD